The following is an entry in ClinVar:

ClinVar aggregate classification (germline): Pathogenic (1 of 4 stars; one submission).

Conditions:
Charcot-Marie-Tooth disease type 4. Also called: Charcot-Marie-Tooth, Type 4; Charcot-Marie-Tooth disease, type IV. Identifiers: Orphanet 64749, MedGen C4082197, MONDO:0018995.

Submission:

Labcorp Genetics (formerly Invitae), Labcorp
Classification: Pathogenic for Charcot-Marie-Tooth disease type 4. Last evaluated: 2016-02-12. Review status: criteria provided, single submitter. Criteria: Invitae Variant Classification Sherloc (09022015). Collection method: clinical testing. Allele origin: germline.
Comment: This sequence change creates a premature translational stop signal at codon 278 (p.Gln278*) of the MTMR2 gene. It is expected to result in an absent or disrupted protein product. For these reasons, this variant has been classified as Pathogenic. While this particular variant has not been reported in the literature, truncating variants in MTMR2 are known to be pathogenic (PMID: 10802647).

Literature cited by the submitters: PubMed 10802647.

NM_016156.6(MTMR2):c.832C>T (p.Gln278Ter)

Gene: MTMR2 (myotubularin related protein 2; minus strand). Cytogenetic location: 11q21.
Variant type: single nucleotide variant.
Coding change: c.832C>T on transcript NM_016156.6 (MANE Select); coding-DNA position 832, C replaced by T.
Protein change: p.Gln278Ter; replaces glutamine 278 with a stop codon.
Molecular consequence: nonsense.
Genome position (GRCh38, 1-based): chr11:95,849,835, G>A on the plus strand (C>T on the coding strand, the complement: MTMR2 is on the minus strand). VCF-style: chr11-95849835-G-A. GRCh37 (hg19) VCF-style: chr11-95582999-G-A.
Other names: c.616C>T, p.Gln206Ter (NM_001243571.2, NM_201278.3, NM_201281.3); short protein forms Q278*, Q206*.
Identifiers: ClinVar variation 241077 (VCV000241077.6), dbSNP rs757563721, ClinGen allele CA10582955.
Genomic context (GRCh38, chr11:95,849,835, plus strand): 5'-CTTTGCTTCGCTTTCCACTCACTCCAACCATGGGCTGGCTACACCGAGTGATTGTGGCTT[G>A]ACTTTCAGGATGAATCCATGATAAAACCTTAATGAGGAAAAAATGGTAACACACCTTTTA-3'